The following is an entry in ClinVar:

NM_004974.4(KCNA2):c.626C>T (p.Thr209Ile)

Gene: KCNA2 (potassium voltage-gated channel subfamily A member 2; minus strand). Cytogenetic location: 1p13.3.
Variant type: single nucleotide variant.
Coding change: c.626C>T on transcript NM_004974.4 (MANE Select); coding-DNA position 626, C replaced by T.
Protein change: p.Thr209Ile; replaces threonine 209 with isoleucine.
Molecular consequence: missense variant.
Genome position (GRCh38, 1-based): chr1:110,604,157, G>A on the plus strand (C>T on the coding strand, the complement: KCNA2 is on the minus strand). VCF-style: chr1-110604157-G-A. GRCh37 (hg19) VCF-style: chr1-111146779-G-A.
Other names: c.626C>T, p.Thr209Ile (NM_001204269.2); short protein forms T209I.
Identifiers: ClinVar variation 1713563 (VCV001713563.6), dbSNP rs2524620105, ClinGen allele CA341603571.

ClinVar aggregate classification (germline): Uncertain significance (1 of 4 stars; one submission).

Conditions:
Developmental and epileptic encephalopathy, 32 (DEE32). Also called: Epileptic encephalopathy, early infantile, 32. Identifiers: Orphanet 442835, MedGen C4225350, MONDO:0014607, OMIM 616366.

Submission:

Labcorp Genetics (formerly Invitae), Labcorp
Classification: Uncertain significance for Developmental and epileptic encephalopathy, 32. Last evaluated: 2022-12-19. Review status: criteria provided, single submitter. Criteria: Invitae Variant Classification Sherloc (09022015). Collection method: clinical testing. Allele origin: germline.
Comment: In summary, the available evidence is currently insufficient to determine the role of this variant in disease. Therefore, it has been classified as a Variant of Uncertain Significance. Advanced modeling of protein sequence and biophysical properties (such as structural, functional, and spatial information, amino acid conservation, physicochemical variation, residue mobility, and thermodynamic stability) performed at Invitae indicates that this missense variant is not expected to disrupt KCNA2 protein function. ClinVar contains an entry for this variant (Variation ID: 1713563). This variant has not been reported in the literature in individuals affected with KCNA2-related conditions. This variant is not present in population databases (gnomAD no frequency). This sequence change replaces threonine, which is neutral and polar, with isoleucine, which is neutral and non-polar, at codon 209 of the KCNA2 protein (p.Thr209Ile).